The following is an entry in ClinVar:

ClinVar aggregate classification (germline): Uncertain significance (1 of 4 stars; one submission).

Conditions:
Stargardt disease (FFM). Also called: Stargardt's disease; Fundus flavimaculatus. Identifiers: Orphanet 827, MedGen C0271093, MONDO:0019353.

Allele frequency attached by ClinVar (database versions not stated): gnomAD exomes 0.00002 and 0.00005; TOPMed 0.00012; gnomAD 0.00017 and 0.00018.
gnomAD v4.1: 39 of 1,614,122 alleles (0.0024%); highest among the groups gnomAD compares: Admixed American, 0.065%; no homozygotes.

Submission:

NEI Ophthalmic Genomics Laboratory, National Institutes of Health
Classification: Uncertain significance for Stargardt disease. Last evaluated: 2020-01-07. Review status: criteria provided, single submitter. Criteria: ACMG Guidelines, 2015. Collection method: clinical testing. Allele origin: germline. Affected: yes.
Comment: The variant NM_000322.4:c.541A>T in the PRPH2 gene has not been reported to our knowledge . This variant is not listed in dbSNP and/or HGMD. It is present in gnomAD browser (AF 0.0000447). This variant is not already listed in ClinVar. It is not enriched in the PRPH2 disease cohort. We invoked ACMG criteria [PM1, PM2, PP3] and classified NM_000322.4:c.541A>T in the PRPH2 gene as a Variant of Uncertain Significance.

NM_000322.5(PRPH2):c.541A>T (p.Ser181Cys)

Gene: PRPH2 (peripherin 2; minus strand). Cytogenetic location: 6p21.1.
Variant type: single nucleotide variant.
Coding change: c.541A>T on transcript NM_000322.5 (MANE Select); coding-DNA position 541, A replaced by T.
Protein change: p.Ser181Cys; replaces serine 181 with cysteine.
Molecular consequence: missense variant.
Genome position (GRCh38, 1-based): chr6:42,721,794, T>A on the plus strand (A>T on the coding strand, the complement: PRPH2 is on the minus strand). VCF-style: chr6-42721794-T-A. GRCh37 (hg19) VCF-style: chr6-42689532-T-A.
Other names: short protein forms S181C.
Identifiers: ClinVar variation 973727 (VCV000973727.1), dbSNP rs1465783712, ClinGen allele CA364137324.